The following is an entry in ClinVar:

NM_000051.4(ATM):c.15dup (p.Asn6Ter)

Gene: ATM (ATM serine/threonine kinase; plus strand). Cytogenetic location: 11q22.3.
Variant type: Duplication.
Coding change: c.15dup on transcript NM_000051.4 (MANE Select); coding-DNA position 15, one base duplicated (T; older notation c.15dupT).
Protein change: p.Asn6Ter; replaces asparagine 6 with a stop codon.
Molecular consequence: nonsense.
Genome position (GRCh38, 1-based): chr11:108,227,639, T duplicated; the last of 2 consecutive T bases (chr11:108,227,638-108,227,639); duplicating either gives the same sequence. VCF-style (leftmost placement, unchanged base first): chr11-108227637-C-CT. GRCh37 (hg19) VCF-style: chr11-108098364-C-CT.
Other names: c.15dupT (NM_000051.3); c.15dup, p.Asn6Ter (NM_001351834.2, NM_001351835.2, NM_001351836.2); short protein forms N6*.
Identifiers: ClinVar variation 234089 (VCV000234089.20), dbSNP rs876660842, ClinGen allele CA10578937.

ClinVar aggregate classification (germline): Pathogenic/Likely pathogenic. Review status: criteria provided, multiple submitters, no conflicts (2 of 4 stars). 8 submissions from 8 submitters: Pathogenic (6); Likely pathogenic (2). Last evaluated 2025-11-18.

Conditions:
Hereditary cancer-predisposing syndrome. Also called: Tumor predisposition; Hereditary Cancer Syndrome; Hereditary neoplastic syndrome; Neoplastic Syndromes, Hereditary. Identifiers: Orphanet 140162, MedGen C0027672, MeSH D009386, MONDO:0015356.
Ataxia-telangiectasia syndrome (AT). Also called: Ataxia telangiectasia (A-T); LOUIS-BAR SYNDROME; Cerebello-oculocutaneous telangiectasia; Immunodeficiency with ataxia telangiectasia; ATAXIA-TELANGIECTASIA, COMPLEMENTATION GROUP A; ATAXIA-TELANGIECTASIA, FRESNO VARIANT. Identifiers: Orphanet 100, MedGen C0004135, MONDO:0008840, OMIM 208900.
Familial cancer of breast. Also called: hereditary breast carcinoma; BREAST CANCER, FAMILIAL; Hereditary breast cancer. Identifiers: Orphanet 227535, MedGen C0346153, MONDO:0016419, OMIM 114480. Disease mechanism: loss of function.

Submissions (8):

Natera, Inc.
Classification: Likely pathogenic for Ataxia-telangiectasia. Last evaluated: 2025-11-18. Review status: criteria provided, single submitter. Criteria: Natera Variant Classification Schema (03/2026). Collection method: clinical testing. Allele origin: germline.
Comment: The c.15dup variant in ATM is a frameshift variant predicted to shift the reading frame and introduce a stop codon. This variant is expected to result in nonsense mediated decay, truncation, or a dysfunctional protein product. This variant is rare in the general population with a frequency below the threshold expected for the associated phenotype(s). Given the available evidence, this variant is classified as Likely Pathogenic.

Labcorp Genetics (formerly Invitae), Labcorp
Classification: Pathogenic for Ataxia-telangiectasia syndrome. Last evaluated: 2025-09-10. Review status: criteria provided, single submitter. Criteria: Invitae Variant Classification Sherloc (09022015). Collection method: clinical testing. Allele origin: germline.
Comment: This sequence change creates a premature translational stop signal (p.Asn6*) in the ATM gene. It is expected to result in an absent or disrupted protein product. Loss-of-function variants in ATM are known to be pathogenic (PMID: 23807571, 25614872). This variant is present in population databases (no rsID available, gnomAD 0.0009%). This variant has not been reported in the literature in individuals affected with ATM-related conditions. ClinVar contains an entry for this variant (Variation ID: 234089). For these reasons, this variant has been classified as Pathogenic.

Molecular Pathology, Peter Maccallum Cancer Centre
Classification: Pathogenic for Ataxia-telangiectasia syndrome. Last evaluated: 2024-06-23. Review status: criteria provided, single submitter. Criteria: ACMG Guidelines, 2015. Collection method: clinical testing. Allele origin: germline. Inheritance: Autosomal recessive inheritance.

Myriad Genetics, Inc.
Classification: Pathogenic for Familial cancer of breast. Last evaluated: 2024-01-05. Review status: criteria provided, single submitter. Criteria: Myriad Autosomal Dominant, Autosomal Recessive and X-Linked Classification Criteria (2023). Collection method: clinical testing. Allele origin: unknown.
Comment: This variant is considered pathogenic. This variant creates a frameshift predicted to result in premature protein truncation.

Baylor Genetics
Classification: Likely pathogenic for Familial cancer of breast. Last evaluated: 2023-08-22. Review status: criteria provided, single submitter. Criteria: ACMG Guidelines, 2015. Collection method: clinical testing. Allele origin: unknown.

Ambry Genetics
Classification: Pathogenic for Hereditary cancer-predisposing syndrome. Last evaluated: 2023-03-13. Review status: criteria provided, single submitter. Criteria: Ambry Variant Classification Scheme 2023. Collection method: clinical testing. Allele origin: germline.
Comment: The c.15dupT pathogenic mutation, located in coding exon 1 of the ATM gene, results from a duplication of T at nucleotide position 15, causing a translational frameshift with a predicted alternate stop codon (p.N6*). This alteration is expected to result in loss of function by premature protein truncation or nonsense-mediated mRNA decay. As such, this alteration is interpreted as a disease-causing mutation.

Color Diagnostics, LLC DBA Color Health
Classification: Pathogenic for Hereditary cancer-predisposing syndrome. Last evaluated: 2019-09-16. Review status: criteria provided, single submitter. Criteria: ACMG Guidelines, 2015. Collection method: clinical testing. Allele origin: germline.
Comment: This variant inserts 1 nucleotide in exon 2 of the ATM gene, creating a frameshift and premature translation stop signal. This variant is expected to result in an absent or non-functional protein product. Splice site prediction tools suggest that this variant may not impact RNA splicing. To our knowledge, functional studies have not been performed for this variant. This variant has not been reported in individuals affected with hereditary cancer in the literature. This variant has been identified in 1/251396 chromosomes in the general population by the Genome Aggregation Database (gnomAD). Loss of ATM function is a known mechanism of disease. Based on the available evidence, this variant is classified as Pathogenic.

GeneDx
Classification: Pathogenic. Last evaluated: 2016-10-26. Review status: criteria provided, single submitter. Criteria: GeneDx Variant Classification (06012015). Collection method: clinical testing. Allele origin: germline. Affected: yes.
Comment: This duplication of one nucleotide is denoted ATM c.15dupT at the cDNA level and p.Asn6Ter (N6X) at the protein level. The normal sequence, with the base that is duplicated in braces, is TACT[T]AATG. The duplication creates a nonsense variant, which changes an Asparagine to a premature stop codon. Although this variant has not been previously reported to our knowledge, it is predicted to cause loss of normal protein function through either protein truncation or nonsense-mediated mRNA decay, and is considered pathogenic.

Literature cited by the submitters: PubMed 23807571 (cited by Labcorp Genetics (formerly Invitae), Labcorp); PubMed 25614872 (cited by Labcorp Genetics (formerly Invitae), Labcorp).